The following is an entry in ClinVar:

NM_052867.4(NALCN):c.4209G>A (p.Pro1403=)

Gene: NALCN (sodium leak channel, non-selective; minus strand). Cytogenetic location: 13q32.3.
Variant type: single nucleotide variant.
Coding change: c.4209G>A on transcript NM_052867.4 (MANE Select); coding-DNA position 4209, G replaced by A.
Protein change: p.Pro1403=; no amino-acid change (proline 1403 retained).
Molecular consequence: synonymous variant.
Genome position (GRCh38, 1-based): chr13:101,068,816, C>T on the plus strand (G>A on the coding strand, the complement: NALCN is on the minus strand). VCF-style: chr13-101068816-C-T. GRCh37 (hg19) VCF-style: chr13-101721168-C-T.
Other names: c.4296G>A, p.Pro1432= (NM_001350748.2); c.4209G>A, p.Pro1403= (NM_001350749.2); c.4122G>A, p.Pro1374= (NM_001350750.2, NM_001350751.2).
Identifiers: ClinVar variation 1219910 (VCV001219910.12), dbSNP rs143988868, ClinGen allele CA7035168.

ClinVar aggregate classification (germline): Likely benign. Review status: criteria provided, multiple submitters, no conflicts (2 of 4 stars). 3 submissions from 3 submitters: Likely benign (2). 1 of the submissions does not count toward it. Last evaluated 2025-10-07.

Conditions:
NALCN-related disorder. Also called: NALCN-related condition; NALCN-related disorders.

Allele frequency attached by ClinVar (database versions not stated): ExAC 0.00009; gnomAD exomes 0.00012; gnomAD 0.00037 and 0.00040; TOPMed 0.00043; ESP Exome Variant Server 0.00046.
gnomAD v4.1: 148 of 1,606,806 alleles (0.0092%); highest among the groups gnomAD compares: African/African-American, 0.1%; no homozygotes.

Submissions (3):

Labcorp Genetics (formerly Invitae), Labcorp
Classification: Likely benign. Last evaluated: 2025-10-07. Review status: criteria provided, single submitter. Criteria: Invitae Variant Classification Sherloc (09022015). Collection method: clinical testing. Allele origin: germline.

GeneDx
Classification: Likely benign. Last evaluated: 2021-11-11. Review status: criteria provided, single submitter. Criteria: GeneDx Variant Classification Process June 2021. Collection method: clinical testing. Allele origin: germline. Affected: yes.

PreventionGenetics, part of Exact Sciences
Classification: Likely benign for NALCN-related condition. Last evaluated: 2019-03-21. Review status: no assertion criteria provided. Collection method: clinical testing. Allele origin: germline. Not counted in ClinVar's aggregate classification.
Comment: This variant is classified as likely benign based on ACMG/AMP sequence variant interpretation guidelines (Richards et al. 2015 PMID: 25741868, with internal and published modifications).